The following is an entry in ClinVar:

NM_000507.4(FBP1):c.509del (p.Ser170fs)

Gene: FBP1 (fructose-bisphosphatase 1; minus strand). Cytogenetic location: 9q22.32.
Variant type: Deletion.
Coding change: c.509del on transcript NM_000507.4 (MANE Select); coding-DNA position 509, one base deleted (G; older notation c.509delG).
Protein change: p.Ser170fs; shifts the reading frame from serine 170.
Molecular consequence: frameshift variant.
Genome position (GRCh38, 1-based): chr9:94,609,979, C deleted on the plus strand (G on the coding strand, the reverse complement: FBP1 is on the minus strand). VCF-style (leftmost placement, unchanged base first): chr9-94609978-AC-A. GRCh37 (hg19) VCF-style: chr9-97372260-AC-A.
Other names: c.509del, p.Ser170fs (NM_001127628.2); short protein forms S170fs.
Identifiers: ClinVar variation 3250461 (VCV003250461.1), dbSNP rs2538936163.

ClinVar aggregate classification (germline): Likely pathogenic (1 of 4 stars; one submission).

Conditions:
Fructose-biphosphatase deficiency (FBP1D). Also called: Fructose-1,6-Diphosphatase Deficiency; Fructose 1,6 Bisphosphatase Deficiency; Fructose-1,6-Bisphosphatase 1 Deficiency. Identifiers: Orphanet 348, MedGen C0016756, MONDO:0009251, OMIM 229700.

Submission:

Neuberg Centre For Genomic Medicine, NCGM
Classification: Likely pathogenic for Fructose-biphosphatase deficiency. Review status: criteria provided, single submitter. Criteria: ACMG Guidelines, 2015. Collection method: clinical testing. Allele origin: germline. Inheritance: Autosomal recessive inheritance. Affected: yes.
Comment: The frame shift c.509del (p.Ser170MetfsTer32) variant in FBP1 gene has not been reported previously as a pathogenic variant nor as a benign variant, to our knowledge. The p.Ser170MetfsTer32 variant is absent in gnomAD Exomes and 1000 Genomes. This variant has not been reported to the ClinVar database. This variant causes a frameshift starting with codon Serine 170, changes this amino acid to Methionine residue, and creates a premature Stop codon at position 32 of the new reading frame, denoted p.Ser170MetfsTer32. This variant is predicted to cause loss of normal protein function through protein truncation. Loss of function variants have been previously reported to be disease causing. For these reasons, this variant has been classified as Likely Pathogenic.